The following is an entry in ClinVar:

ClinVar aggregate classification (germline): Pathogenic (1 of 4 stars; one submission).

Conditions:
Cohen syndrome (COH1). Also called: PEPPER SYNDROME; Cutis verticis gyrata, retinitis pigmentosa, and sensorineural deafness. Identifiers: Orphanet 193, MedGen C0265223, MONDO:0008999, OMIM 216550.

Submission:

Labcorp Genetics (formerly Invitae), Labcorp
Classification: Pathogenic for Cohen syndrome. Last evaluated: 2024-10-23. Review status: criteria provided, single submitter. Criteria: Invitae Variant Classification Sherloc (09022015). Collection method: clinical testing. Allele origin: germline.
Comment: This sequence change creates a premature translational stop signal (p.Ile289*) in the VPS13B gene. It is expected to result in an absent or disrupted protein product. Loss-of-function variants in VPS13B are known to be pathogenic (PMID: 15141358, 16648375, 20461111). This variant is not present in population databases (gnomAD no frequency). This variant has not been reported in the literature in individuals affected with VPS13B-related conditions. ClinVar contains an entry for this variant (Variation ID: 1393627). For these reasons, this variant has been classified as Pathogenic.

Literature cited by the submitters: PubMed 15141358; PubMed 16648375; PubMed 20461111.

NM_152564.5(VPS13B):c.865del (p.Glu288_Ile289insTer)

Gene: VPS13B (vacuolar protein sorting 13 homolog B; plus strand). Cytogenetic location: 8q22.2.
Variant type: Deletion.
Coding change: c.865del on transcript NM_152564.5 (MANE Select); coding-DNA position 865, one base deleted (A; older notation c.865delA).
Protein change: p.Glu288_Ile289insTer.
Molecular consequence: nonsense. On other transcripts: non-coding transcript variant (1).
Genome position (GRCh38, 1-based): chr8:99,115,802, A deleted; the last of 3 consecutive A bases (chr8:99,115,800-99,115,802); deleting any one gives the same sequence. VCF-style (leftmost placement, unchanged base first): chr8-99115799-GA-G. GRCh37 (hg19) VCF-style: chr8-100128027-GA-G.
Other names: c.865del, p.Glu288_Ile289insTer (NM_015243.3, NM_017890.5, NM_181661.3).
Identifiers: ClinVar variation 1393627 (VCV001393627.6), dbSNP rs2132497933, ClinGen allele CA2573143551.
Genomic context (GRCh38, chr8:99,115,799, plus strand): 5'-GATCAACAACTGCCTATGTTTATTCGTATAATGCAACTTGGAATTGCTCTTTACTATGGA[GA>G]AATAGGCAATTTTAAAGAAGGCGAAATAGAGGACCTTACTTGTCATAATAAAGATATGCT-3'